The following is an entry in ClinVar:

ClinVar aggregate classification (germline): Conflicting classifications of pathogenicity. Review status: criteria provided, conflicting classifications (1 of 4 stars). 12 submissions from 11 submitters: Uncertain significance (9); Likely benign (2). 1 of the submissions does not count toward it. Last evaluated 2026-01-18.

Conditions:
Noonan syndrome and Noonan-related syndrome. Identifiers: Orphanet 98733, MedGen C5681679, MONDO:0020297.
Cardiovascular phenotype. Identifiers: MedGen CN230736.
Cardiofaciocutaneous syndrome 4 (CFC4). Also called: MAP2K2-Related Cardiofaciocutaneous Syndrome. Identifiers: Orphanet 1340, MedGen C3809007, MONDO:0014114, OMIM 615280.
RASopathy. Also called: Noonan spectrum disorder; rasopathies. Identifiers: Orphanet 536391, MedGen C5555857, MONDO:0021060.
Noonan syndrome (NS). Also called: Noonan's syndrome. Identifiers: Orphanet 648, MedGen C0028326, MeSH D009634, MONDO:0018997. Disease mechanism: gain of function.

Allele frequency attached by ClinVar (database versions not stated): gnomAD 0.00003 and 0.00004; gnomAD exomes 0.00004 and 0.00005; TOPMed 0.00006; ExAC 0.00007; ESP Exome Variant Server 0.00015.
gnomAD v4.1: 65 of 1,613,068 alleles (0.004%); highest among the groups gnomAD compares: South Asian, 0.0066%; no homozygotes.

Submissions (12):

Labcorp Genetics (formerly Invitae), Labcorp
Classification: Uncertain significance for RASopathy. Last evaluated: 2026-01-18. Review status: criteria provided, single submitter. Criteria: Invitae Variant Classification Sherloc (09022015). Collection method: clinical testing. Allele origin: germline.
Comment: This sequence change replaces arginine, which is basic and polar, with glutamine, which is neutral and polar, at codon 313 of the MAP2K2 protein (p.Arg313Gln). This variant is present in population databases (rs151133017, gnomAD 0.01%). This variant has not been reported in the literature in individuals affected with MAP2K2-related conditions. ClinVar contains an entry for this variant (Variation ID: 40839). Invitae Evidence Modeling incorporating data from in vitro experimental studies (internal data) indicates that this missense variant is not expected to disrupt MAP2K2 function with a negative predictive value of 95%. In summary, the available evidence is currently insufficient to determine the role of this variant in disease. Therefore, it has been classified as a Variant of Uncertain Significance.

Women's Health and Genetics/Laboratory Corporation of America, LabCorp
Classification: Likely benign. Last evaluated: 2025-10-10. Review status: criteria provided, single submitter. Criteria: LabCorp Variant Classification Summary - May 2015. Collection method: clinical testing. Allele origin: germline.
Comment: Variant summary: MAP2K2 c.938G>A (p.Arg313Gln) results in a conservative amino acid change in the encoded protein sequence. Algorithms developed to predict the effect of missense changes on protein structure and function are either unavailable or do not agree on the potential impact of this missense change. The variant allele was found at a frequency of 4.8e-05 in 250842 control chromosomes. The observed variant frequency exceeds the estimated maximal expected allele frequency for disease-causing variants in MAP2K2. c.938G>A has been observed in an individual affected with Dilated Cardiomyopathy who did not have additional reported syndromic features, and it was also found in a control individual for a congenital heart disease cohort (e.g. Blue_2014, Ceyhan-Birsoy_2018). These reports do not provide unequivocal conclusions about association of the variant with Noonan Syndrome And Related Conditions. To our knowledge, no experimental evidence demonstrating an impact on protein function has been reported. The following publications have been ascertained in the context of this evaluation (PMID: 25500235, 29696744). ClinVar contains an entry for this variant (Variation ID: 40839). Based on the evidence outlined above, the variant was classified as likely benign.

Ambry Genetics
Classification: Uncertain significance for Cardiovascular phenotype. Last evaluated: 2024-12-14. Review status: criteria provided, single submitter. Criteria: Ambry Variant Classification Scheme 2023. Collection method: clinical testing. Allele origin: germline.
Comment: The p.R313Q variant (also known as c.938G>A), located in coding exon 8 of the MAP2K2 gene, results from a G to A substitution at nucleotide position 938. The arginine at codon 313 is replaced by glutamine, an amino acid with highly similar properties. This amino acid position is highly conserved in available vertebrate species. In addition, this alteration is predicted to be deleterious by in silico analysis. Since supporting evidence is limited at this time, the clinical significance of this alteration remains unclear.

GeneDx
Classification: Uncertain significance. Last evaluated: 2023-12-19. Review status: criteria provided, single submitter. Criteria: GeneDx Variant Classification Process June 2021. Collection method: clinical testing. Allele origin: germline. Affected: yes.
Comment: Has not been previously published as pathogenic or benign to our knowledge; Missense variants in this gene are a common cause of disease and they are underrepresented in the general population; In silico analysis supports that this missense variant does not alter protein structure/function; This variant is associated with the following publications: (PMID: 29493581)

Mayo Clinic Laboratories, Mayo Clinic
Classification: Uncertain significance. Last evaluated: 2023-05-04. Review status: criteria provided, single submitter. Criteria: ACMG Guidelines, 2015. Collection method: clinical testing. Allele origin: germline. Observed: 1 variant allele.

St. Jude Molecular Pathology, St. Jude Children's Research Hospital
Classification: Uncertain significance for Cardiofaciocutaneous syndrome 4. Last evaluated: 2023-03-27. Review status: criteria provided, single submitter. Criteria: St. Jude Assertion Criteria 2020. Collection method: clinical testing. Allele origin: germline.
Comment: The MAP2K2 c.938G>A (p.Arg313Gln) missense change has a maximum subpopulation frequency of 0.013% in gnomAD v2.1.1. The in silico tool REVEL predicts a deleterious effect on protein function, but to our knowledge this prediction has not been confirmed by functional studies. To our knowledge, this variant has not been reported in individuals with cardiofaciocutanous syndrome. In summary, the evidence currently available is insufficient to determine the clinical significance of this variant. It has therefore been classified as of uncertain significance.

Blueprint Genetics
Classification: Likely benign. Last evaluated: 2022-07-20. Review status: criteria provided, single submitter. Criteria: ACMG Guidelines, 2015. Collection method: clinical testing. Allele origin: germline.

Fulgent Genetics
Classification: Uncertain significance for Cardiofaciocutaneous syndrome 4. Last evaluated: 2021-07-09. Review status: criteria provided, single submitter. Criteria: ACMG Guidelines, 2015. Collection method: clinical testing. Allele origin: unknown.

St. Jude Molecular Pathology, St. Jude Children's Research Hospital
Classification: Uncertain significance for Noonan syndrome. Last evaluated: 2020-09-22. Review status: criteria provided, single submitter. Criteria: St. Jude Assertion Criteria 2020. Collection method: clinical testing. Allele origin: germline.

Genome Diagnostics Laboratory, The Hospital for Sick Children
Classification: Uncertain significance for Noonan syndrome and Noonan-related syndrome. Last evaluated: 2019-06-01. Review status: criteria provided, single submitter. Criteria: ACMG Guidelines, 2015. Collection method: clinical testing. Allele origin: germline.

Laboratory for Molecular Medicine, Mass General Brigham Personalized Medicine
Classification: Uncertain significance. Last evaluated: 2018-03-06. Review status: criteria provided, single submitter. Criteria: LMM Criteria. Collection method: clinical testing. Allele origin: germline.
Comment: Disclaimer: This variant has not undergone full assessment. The following are preliminary notes: GnomAd 19:4097323 C / T: European 9/126472; well conserved; Not in Pubmed, Google search or HGMD; VUS by GeneDx in ClinVar; probably damaging by polyphen

Department of Pathology and Laboratory Medicine, Sinai Health System
Classification: Uncertain significance. Review status: no assertion criteria provided. Collection method: clinical testing. Allele origin: unknown. Affected: yes. Study: The Canadian Open Genetics Repository (COGR). Not counted in ClinVar's aggregate classification.
Comment: The MAP2K2 p.R313Q variant was not identified in the literature nor was it identified in Cosmic or LOVD 3.0. The variant was identified in dbSNP (ID: rs151133017) and in ClinVar (classified as uncertain significance by Laboratory for Molecular Medicine at Partners HealthCare Personalized Medicine, GeneDx, and Clinical Genomics Lab at St. Jude Children's Research Hospital with associated condition of B Lymphoblastic Leukemia/Lymphoma with t(v;11q23.3); KMT2A Rearranged). The variant was identified in control databases in 14 of 282142 chromosomes (0 homozygous) at a frequency of 0.00005 (Genome Aggregation Database March 6, 2019, v2.1.1). The variant was observed in the following populations: South Asian in 4 of 30608 chromosomes (freq: 0.000131), African in 2 of 24896 chromosomes (freq: 0.00008) and European (non-Finnish) in 8 of 128808 chromosomes (freq: 0.000062), but was not observed in the Latino, Ashkenazi Jewish, East Asian, European (Finnish) or Other populations. The p.Arg313 residue is conserved in mammals and computational analyses (PolyPhen-2, SIFT, AlignGVGD, BLOSUM, MutationTaster) provide inconsistent predictions regarding the impact to the protein; this information is not very predictive of pathogenicity. The variant occurs outside of the splicing consensus sequence and in silico or computational prediction software programs (SpliceSiteFinder, MaxEntScan, NNSPLICE, GeneSplicer) do not predict a difference in splicing. In summary, based on the above information the clinical significance of this variant cannot be determined with certainty at this time. This variant is classified as a variant of uncertain significance.

Literature cited by the submitters: PubMed 25500235 (cited by Women's Health and Genetics/Laboratory Corporation of America, LabCorp); PubMed 29696744 (cited by Women's Health and Genetics/Laboratory Corporation of America, LabCorp).

NM_030662.4(MAP2K2):c.938G>A (p.Arg313Gln)

Gene: MAP2K2 (mitogen-activated protein kinase kinase 2; minus strand). Cytogenetic location: 19p13.3.
Variant type: single nucleotide variant.
Coding change: c.938G>A on transcript NM_030662.4 (MANE Select); coding-DNA position 938, G replaced by A.
Protein change: p.Arg313Gln; replaces arginine 313 with glutamine.
Molecular consequence: missense variant.
Genome position (GRCh38, 1-based): chr19:4,097,325, C>T on the plus strand (G>A on the coding strand, the complement: MAP2K2 is on the minus strand). VCF-style: chr19-4097325-C-T. GRCh37 (hg19) VCF-style: chr19-4097323-C-T.
Other names: p.R313Q:CGG>CAG; short protein forms R313Q.
Identifiers: ClinVar variation 40839 (VCV000040839.27), dbSNP rs151133017, ClinGen allele CA296148.